The following is an entry in ClinVar:

ClinVar aggregate classification (germline): Uncertain significance (1 of 4 stars; one submission).

Submission:

Ambry Genetics
Classification: Uncertain significance. Last evaluated: 2024-11-11. Review status: criteria provided, single submitter. Criteria: Ambry Variant Classification Scheme 2023. Collection method: clinical testing. Allele origin: germline.
Comment: The p.F1133S variant (also known as c.3398T>C), located in coding exon 16 of the POLQ gene, results from a T to C substitution at nucleotide position 3398. The phenylalanine at codon 1133 is replaced by serine, an amino acid with highly dissimilar properties. This amino acid position is conserved. In addition, this alteration is predicted to be tolerated by in silico analysis. Based on the available evidence, the clinical significance of this variant remains unclear.

NM_199420.4(POLQ):c.3398T>C (p.Phe1133Ser)

Gene: POLQ (DNA polymerase theta; minus strand). Cytogenetic location: 3q13.33.
Variant type: single nucleotide variant.
Coding change: c.3398T>C on transcript NM_199420.4 (MANE Select); coding-DNA position 3398, T replaced by C.
Protein change: p.Phe1133Ser; replaces phenylalanine 1133 with serine.
Molecular consequence: missense variant.
Genome position (GRCh38, 1-based): chr3:121,489,533, A>G on the plus strand (T>C on the coding strand, the complement: POLQ is on the minus strand). VCF-style: chr3-121489533-A-G. GRCh37 (hg19) VCF-style: chr3-121208380-A-G.
Other names: short protein forms F1133S.
Identifiers: ClinVar variation 3422661 (VCV003422661.1).